The following is an entry in ClinVar:

NM_000702.4(ATP1A2):c.2553C>T (p.Tyr851=)

Gene: ATP1A2 (ATPase Na+/K+ transporting subunit alpha 2; plus strand). Cytogenetic location: 1q23.2.
Variant type: single nucleotide variant.
Coding change: c.2553C>T on transcript NM_000702.4 (MANE Select); coding-DNA position 2553, C replaced by T.
Protein change: p.Tyr851=; no amino-acid change (tyrosine 851 retained).
Molecular consequence: synonymous variant.
Genome position (GRCh38, 1-based): chr1:160,136,360, C>T. VCF-style: chr1-160136360-C-T. GRCh37 (hg19) VCF-style: chr1-160106150-C-T.
Identifiers: ClinVar variation 2085094 (VCV002085094.23), dbSNP rs771208383, ClinGen allele CA1194771.
Genomic context (GRCh38, chr1:160,136,360, plus strand): 5'-GCAGCCACGAAACTCCCAGACGGACAAGCTGGTGAATGAGAGGCTCATCAGCATGGCCTA[C>T]GGACAGATCGGTGCGCCAAGCCCCGGGCCTCGGGAGGGAACCCCAACAGGGTTCTTTTCC-3'
Protein context (NP_000693.1, residues 841-861): LVNERLISMA[Tyr851=]GQIGMIQALG

ClinVar aggregate classification (germline): Likely benign. Review status: criteria provided, multiple submitters, no conflicts (2 of 4 stars). 3 submissions from 3 submitters: Likely benign (2). 1 of the submissions does not count toward it. Last evaluated 2025-12-19.

Conditions:
ATP1A2-related disorder. Also called: ATP1A2-related condition; ATP1A2-RELATED DISORDERS.
Familial hemiplegic migraine. Identifiers: MedGen C0338484, MONDO:0000700.

Allele frequency attached by ClinVar (database versions not stated): gnomAD exomes 0.00001; ExAC 0.00003; gnomAD 0.00003.
gnomAD v4.1: 23 of 1,613,952 alleles (0.0014%); highest among the groups gnomAD compares: Non-Finnish European, 0.0017%; no homozygotes.

Submissions (3):

Labcorp Genetics (formerly Invitae), Labcorp
Classification: Likely benign for Familial hemiplegic migraine. Last evaluated: 2025-12-19. Review status: criteria provided, single submitter. Criteria: Invitae Variant Classification Sherloc (09022015). Collection method: clinical testing. Allele origin: germline.

CeGaT Center for Human Genetics Tuebingen
Classification: Likely benign. Last evaluated: 2024-07-01. Review status: criteria provided, single submitter. Criteria: CeGaT Center For Human Genetics Tuebingen Variant Classification Criteria Version 2. Collection method: clinical testing. Allele origin: germline. Affected: yes. Observed: 1 variant allele.
Comment: ATP1A2: BP4, BP7

PreventionGenetics, part of Exact Sciences
Classification: Likely benign for ATP1A2-related condition. Last evaluated: 2020-01-28. Review status: no assertion criteria provided. Collection method: clinical testing. Allele origin: germline. Not counted in ClinVar's aggregate classification.
Comment: This variant is classified as likely benign based on ACMG/AMP sequence variant interpretation guidelines (Richards et al. 2015 PMID: 25741868, with internal and published modifications).